The following is an entry in ClinVar:

ClinVar aggregate classification (germline): Likely pathogenic (1 of 4 stars; one submission).

Conditions:
Pituitary hormone deficiency, combined, 2. Also called: PROP1-Related Combined Pituitary Hormone Deficiency; PITUITARY DWARFISM III; ATELIOTIC DWARFISM WITH HYPOGONADISM; HANHART DWARFISM. Identifiers: MedGen C0878683, MONDO:0009878, OMIM 262600.

Submission:

GenePathDx, GenePath diagnostics
Classification: Likely pathogenic for Combined pituitary hormone deficiency. Last evaluated: 2017-01-01. Review status: criteria provided, single submitter. Criteria: GenePathDx_Criteria_classificationV2. Collection method: clinical testing. Allele origin: germline. Inheritance: Autosomal recessive inheritance. Affected: yes. Observed: 1 variant allele.
Comment: Next generation DNA sequencing done on peripheral blood sample has revealed the presence of a clinically relevant homozygous variant c.3G>C in the PROP1 gene. This variant is being classified as a â€œLikely Pathogenicâ€ based on available evidence in the databases and in silico mutation prediction meth+AH9ods. This is a novel variant, hence genotype-phenotype correlation cannot be predicted at this moment.

NM_006261.5(PROP1):c.3G>C (p.Met1Ile)

Gene: PROP1 (PROP paired-like homeobox 1; minus strand). Cytogenetic location: 5q35.3.
Variant type: single nucleotide variant.
Coding change: c.3G>C on transcript NM_006261.5 (MANE Select); coding-DNA position 3, G replaced by C.
Protein change: p.Met1Ile; changes the start codon (methionine 1).
Molecular consequence: missense variant, initiator codon variant.
Genome position (GRCh38, 1-based): chr5:177,995,931, C>G on the plus strand (G>C on the coding strand, the complement: PROP1 is on the minus strand). VCF-style: chr5-177995931-C-G. GRCh37 (hg19) VCF-style: chr5-177422932-C-G.
Other names: short protein forms M1I.
Identifiers: ClinVar variation 424617 (VCV000424617.4), dbSNP rs1064797071, ClinGen allele CA16621521.